The following is an entry in ClinVar:

NM_000137.4(FAH):c.1209C>T (p.Ile403=)

Gene: FAH (fumarylacetoacetate hydrolase; plus strand). Cytogenetic location: 15q25.1.
Variant type: single nucleotide variant.
Coding change: c.1209C>T on transcript NM_000137.4 (MANE Select); coding-DNA position 1209, C replaced by T.
Protein change: p.Ile403=; no amino-acid change (isoleucine 403 retained).
Molecular consequence: synonymous variant.
Genome position (GRCh38, 1-based): chr15:80,186,158, C>T. VCF-style: chr15-80186158-C-T. GRCh37 (hg19) VCF-style: chr15-80478500-C-T.
Other names: p.Ile403=; c.1209C>T (NM_000137.3); c.1209C>T, p.Ile403= (NM_001374377.1, NM_001374380.1).
Identifiers: ClinVar variation 167055 (VCV000167055.20), dbSNP rs111345782, ClinGen allele CA233970.

ClinVar aggregate classification (germline): Benign. Review status: criteria provided, multiple submitters, no conflicts (2 of 4 stars). 5 submissions from 5 submitters: Benign (5). Last evaluated 2026-02-04.

Conditions:
Tyrosinemia type I (TYRSN1). Also called: Tyrosinemia type 1; Fumarylacetoacetase deficiency; FAH DEFICIENCY; HEPATORENAL TYROSINEMIA; Deficiency of fumarylacetoacetase. Identifiers: Orphanet 882, MedGen C0268490, MONDO:0010161, OMIM 276700. Disease mechanism: loss of function.

Allele frequency attached by ClinVar (database versions not stated): gnomAD 0.00009 and 0.00237; ESP Exome Variant Server 0.00015; TOPMed 0.00041; gnomAD exomes 0.00390 and 0.00809; ExAC 0.00941; 1000 Genomes Project 30x 0.01499; 1000 Genomes Project 0.01657.
gnomAD v4.1: 6,120 of 1,614,086 alleles (0.38%); highest among the groups gnomAD compares: South Asian, 6.2%; 262 homozygotes.

Submissions (5):

Labcorp Genetics (formerly Invitae), Labcorp
Classification: Benign for Tyrosinemia type I. Last evaluated: 2026-02-04. Review status: criteria provided, single submitter. Criteria: Invitae Variant Classification Sherloc (09022015). Collection method: clinical testing. Allele origin: germline.

Mayo Clinic Laboratories, Mayo Clinic
Classification: Benign. Last evaluated: 2022-11-27. Review status: criteria provided, single submitter. Criteria: ACMG Guidelines, 2015. Collection method: clinical testing. Allele origin: germline. Observed: 5 variant alleles.

Illumina Laboratory Services, Illumina
Classification: Benign for Tyrosinemia type I. Last evaluated: 2018-01-13. Review status: criteria provided, single submitter. Criteria: ICSL Variant Classification Criteria 13 December 2019. Collection method: clinical testing. Allele origin: germline.
Comment: This variant was observed in the ICSL laboratory as part of a predisposition screen in an ostensibly healthy population. It had not been previously curated by ICSL or reported in the Human Gene Mutation Database (HGMD: prior to June 1st, 2018), and was therefore a candidate for classification through an automated scoring system. Utilizing variant allele frequency, disease prevalence and penetrance estimates, and inheritance mode, an automated score was calculated to assess if this variant is too frequent to cause the disease. Based on the score and internal cut-off values, a variant classified as benign is not then subjected to further curation. The score for this variant resulted in a classification of benign for this disease.

GeneDx
Classification: Benign. Last evaluated: 2017-01-17. Review status: criteria provided, single submitter. Criteria: GeneDx Variant Classification (06012015). Collection method: clinical testing. Allele origin: germline. Affected: yes.
Comment: This variant is considered likely benign or benign based on one or more of the following criteria: it is a conservative change, it occurs at a poorly conserved position in the protein, it is predicted to be benign by multiple in silico algorithms, and/or has population frequency not consistent with disease.

Eurofins Ntd Llc (ga)
Classification: Benign. Last evaluated: 2016-05-17. Review status: criteria provided, single submitter. Criteria: EGL Classification Definitions 2015. Collection method: clinical testing. Allele origin: germline. Observed: 2 variant alleles, 1 heterozygote, 1 homozygote.